The following is an entry in ClinVar:

ClinVar aggregate classification (germline): Uncertain significance (1 of 4 stars; one submission).

Conditions:
Progressive familial heart block type IB (PFHB1B). Identifiers: Orphanet 871, MedGen C1970298, MONDO:0011474, OMIM 604559.

gnomAD v4.1: 4 of 1,614,226 alleles (0.00025%); highest among the groups gnomAD compares: East Asian, 0.0022%; no homozygotes.

Submission:

Labcorp Genetics (formerly Invitae), Labcorp
Classification: Uncertain significance for Progressive familial heart block type IB. Last evaluated: 2026-02-03. Review status: criteria provided, single submitter. Criteria: Invitae Variant Classification Sherloc (09022015). Collection method: clinical testing. Allele origin: germline.
Comment: This sequence change replaces proline, which is neutral and non-polar, with arginine, which is basic and polar, at codon 457 of the TRPM4 protein (p.Pro457Arg). This variant is not present in population databases (gnomAD no frequency). This variant has not been reported in the literature in individuals affected with TRPM4-related conditions. An algorithm developed to predict the effect of missense changes on protein structure and function (PolyPhen-2) suggests that this variant is likely to be tolerated. In summary, the available evidence is currently insufficient to determine the role of this variant in disease. Therefore, it has been classified as a Variant of Uncertain Significance.

NM_017636.4(TRPM4):c.1370C>G (p.Pro457Arg)

Gene: TRPM4 (transient receptor potential cation channel subfamily M member 4; plus strand). Cytogenetic location: 19q13.33.
Variant type: single nucleotide variant.
Coding change: c.1370C>G on transcript NM_017636.4 (MANE Select); coding-DNA position 1370, C replaced by G.
Protein change: p.Pro457Arg; replaces proline 457 with arginine.
Molecular consequence: missense variant. On other transcripts: 5 prime UTR variant (1).
Genome position (GRCh38, 1-based): chr19:49,182,684, C>G. VCF-style: chr19-49182684-C-G. GRCh37 (hg19) VCF-style: chr19-49685941-C-G.
Other names: c.1370C>G, p.Pro457Arg (NM_001195227.2); c.1025C>G, p.Pro342Arg (NM_001321281.2); c.-184C>G (NM_001321282.2); c.848C>G, p.Pro283Arg (NM_001321283.2); c.308C>G, p.Pro103Arg (NM_001321285.2); short protein forms P342R, P283R, P457R, P103R.
Identifiers: ClinVar variation 4704442 (VCV004704442.1).
Genomic context (GRCh38, chr19:49,182,684, plus strand): 5'-GGCCTGAGTTCGTGCGCTTGCTCATTTCCCACGGCCTCAGCCTGGGCCACTTCCTGACCC[C>G]GATGCGCCTGGCCCAACTCTACAGCGCGGCGCCCTCCAACTCGCTCATCCGCAACCTTTT-3'
Protein context (NP_060106.2, residues 447-467): HGLSLGHFLT[Pro457Arg]MRLAQLYSAA